The following is an entry in ClinVar:

NM_001042492.3(NF1):c.3625G>T (p.Val1209Leu)

Gene: NF1 (neurofibromin 1; plus strand). Cytogenetic location: 17q11.2.
Variant type: single nucleotide variant.
Coding change: c.3625G>T on transcript NM_001042492.3 (MANE Select); coding-DNA position 3625, G replaced by T.
Protein change: p.Val1209Leu; replaces valine 1209 with leucine.
Molecular consequence: missense variant.
Genome position (GRCh38, 1-based): chr17:31,233,130, G>T. VCF-style: chr17-31233130-G-T. GRCh37 (hg19) VCF-style: chr17-29560148-G-T.
Other names: c.3625G>T, p.Val1209Leu (NM_000267.4); short protein forms V1209L.
Identifiers: ClinVar variation 457660 (VCV000457660.6), dbSNP rs1458579232, ClinGen allele CA398990355.

ClinVar aggregate classification (germline): Uncertain significance. Review status: criteria provided, multiple submitters, no conflicts (2 of 4 stars). 2 submissions from 2 submitters: Uncertain significance (2). Last evaluated 2022-01-08.

Conditions:
Cardiovascular phenotype. Identifiers: MedGen CN230736.
Hereditary cancer-predisposing syndrome. Also called: Hereditary Cancer Syndrome; Hereditary neoplastic syndrome; Tumor predisposition; Neoplastic Syndromes, Hereditary. Identifiers: Orphanet 140162, MedGen C0027672, MeSH D009386, MONDO:0015356.
Neurofibromatosis, type 1 (NF1). Also called: VON RECKLINGHAUSEN DISEASE; NEUROFIBROMATOSIS, TYPE I, SOMATIC; Peripheral type neurofibromatosis; Neurofibromatosis, type I. Identifiers: Orphanet 636, MedGen C0027831, MONDO:0018975, OMIM 162200. Disease mechanism: loss of function.

Allele frequency attached by ClinVar (database versions not stated): gnomAD exomes below 0.00001.
gnomAD v4.1: 1 of 1,614,182 alleles (0.000062%); highest among the groups gnomAD compares: Non-Finnish European, 0.000085%; no homozygotes.

Submissions (2):

Ambry Genetics
Classification: Uncertain significance for Cardiovascular phenotype; Hereditary cancer-predisposing syndrome. Last evaluated: 2022-01-08. Review status: criteria provided, single submitter. Criteria: Ambry Variant Classification Scheme 2023. Collection method: clinical testing. Allele origin: germline.
Comment: The p.V1209L variant (also known as c.3625G>T), located in coding exon 27 of the NF1 gene, results from a G to T substitution at nucleotide position 3625. The valine at codon 1209 is replaced by leucine, an amino acid with highly similar properties. This amino acid position is conserved. In addition, the in silico prediction for this alteration is inconclusive. Since supporting evidence is limited at this time, the clinical significance of this alteration remains unclear.

Labcorp Genetics (formerly Invitae), Labcorp
Classification: Uncertain significance for Neurofibromatosis, type 1. Last evaluated: 2017-03-02. Review status: criteria provided, single submitter. Criteria: Invitae Variant Classification Sherloc (09022015). Collection method: clinical testing. Allele origin: germline.
Comment: In summary, this variant is a novel missense change with uncertain impact on protein function. It has been classified as a Variant of Uncertain Significance. Algorithms developed to predict the effect of missense changes on protein structure and function do not agree on the potential impact of this missense change (SIFT: "Tolerated"; PolyPhen-2: "Probably Damaging"; Align-GVGD: "Class C0"). This variant is not present in population databases (ExAC no frequency) and has not been reported in the literature in individuals with an NF1-related disease. This sequence change replaces valine with leucine at codon 1209 of the NF1 protein (p.Val1209Leu). The valine residue is moderately conserved and there is a small physicochemical difference between valine and leucine.